The following is an entry in ClinVar:

NM_015192.4(PLCB1):c.413C>T (p.Ala138Val)

Gene: PLCB1 (phospholipase C beta 1; plus strand). Cytogenetic location: 20p12.3.
Variant type: single nucleotide variant.
Coding change: c.413C>T on transcript NM_015192.4 (MANE Select); coding-DNA position 413, C replaced by T.
Protein change: p.Ala138Val; replaces alanine 138 with valine.
Molecular consequence: missense variant.
Genome position (GRCh38, 1-based): chr20:8,646,130, C>T. VCF-style: chr20-8646130-C-T. GRCh37 (hg19) VCF-style: chr20-8626777-C-T.
Other names: c.413C>T, p.Ala138Val (NM_182734.3); short protein forms A138V.
Identifiers: ClinVar variation 1482779 (VCV001482779.8), dbSNP rs2123285821, ClinGen allele CA408262437.

ClinVar aggregate classification (germline): Uncertain significance (1 of 4 stars; one submission).

Conditions:
Developmental and epileptic encephalopathy, 12 (DEE12). Identifiers: MedGen C3150988, MONDO:0013389, OMIM 613722.

Allele frequency attached by ClinVar (database versions not stated): gnomAD exomes below 0.00001.
gnomAD v4.1: 1 of 1,613,396 alleles (0.000062%); highest among the groups gnomAD compares: Non-Finnish European, 0.000085%; no homozygotes.

Submission:

Labcorp Genetics (formerly Invitae), Labcorp
Classification: Uncertain significance for Developmental and epileptic encephalopathy, 12. Last evaluated: 2021-02-20. Review status: criteria provided, single submitter. Criteria: Invitae Variant Classification Sherloc (09022015). Collection method: clinical testing. Allele origin: germline.
Comment: This sequence change replaces alanine with valine at codon 138 of the PLCB1 protein (p.Ala138Val). The alanine residue is highly conserved and there is a small physicochemical difference between alanine and valine. This variant is not present in population databases (ExAC no frequency). In summary, the available evidence is currently insufficient to determine the role of this variant in disease. Therefore, it has been classified as a Variant of Uncertain Significance. Algorithms developed to predict the effect of sequence changes on RNA splicing suggest that this variant may create or strengthen a splice site, but this prediction has not been confirmed by published transcriptional studies. Algorithms developed to predict the effect of missense changes on protein structure and function are either unavailable or do not agree on the potential impact of this missense change (SIFT: "Deleterious"; PolyPhen-2: "Benign"; Align-GVGD: "Class C0"). This variant has not been reported in the literature in individuals with PLCB1-related conditions.